The following is an entry in ClinVar:

NM_004656.4(BAP1):c.504C>T (p.Phe168=)

Gene: BAP1 (BRCA1 associated deubiquitinase 1; minus strand). Cytogenetic location: 3p21.1.
Variant type: single nucleotide variant.
Coding change: c.504C>T on transcript NM_004656.4 (MANE Select); coding-DNA position 504, C replaced by T.
Protein change: p.Phe168=; no amino-acid change (phenylalanine 168 retained).
Molecular consequence: synonymous variant.
Genome position (GRCh38, 1-based): chr3:52,407,250, G>A on the plus strand (C>T on the coding strand, the complement: BAP1 is on the minus strand). VCF-style: chr3-52407250-G-A. GRCh37 (hg19) VCF-style: chr3-52441266-G-A.
Other names: c.504C>T, p.Phe168= (NM_001410772.1).
Identifiers: ClinVar variation 2450443 (VCV002450443.3), dbSNP rs929082726, ClinGen allele CA74743737.

ClinVar aggregate classification (germline): Benign/Likely benign. Review status: criteria provided, multiple submitters, no conflicts (2 of 4 stars). 2 submissions from 2 submitters: Benign (1); Likely benign (1). Last evaluated 2024-07-12.

Conditions:
BAP1-related tumor predisposition syndrome (TPDS1). Also called: BAP1 tumor predisposition syndrome; Tumor susceptibility linked to germline BAP1 mutations; TUMOR PREDISPOSITION SYNDROME 1; COMMON Syndrome. Identifiers: Orphanet 289539, MedGen C3280492, MONDO:0013692, OMIM 614327.
Hereditary cancer-predisposing syndrome. Also called: Neoplastic Syndromes, Hereditary; Tumor predisposition; Hereditary neoplastic syndrome; Hereditary Cancer Syndrome. Identifiers: Orphanet 140162, MedGen C0027672, MeSH D009386, MONDO:0015356.

Submissions (2):

Myriad Genetics, Inc.
Classification: Benign for BAP1-related tumor predisposition syndrome. Last evaluated: 2024-07-12. Review status: criteria provided, single submitter. Criteria: Myriad Autosomal Dominant, Autosomal Recessive and X-Linked Classification Criteria (2023). Collection method: clinical testing. Allele origin: unknown.
Comment: This variant is considered benign. This variant is a silent/synonymous amino acid change and it is not expected to impact splicing.

Ambry Genetics
Classification: Likely benign for Hereditary cancer-predisposing syndrome. Last evaluated: 2023-02-28. Review status: criteria provided, single submitter. Criteria: Ambry Variant Classification Scheme 2023. Collection method: clinical testing. Allele origin: germline.